The following is an entry in ClinVar:

NM_003640.5(ELP1):c.1003del (p.Ser335fs)

Gene: ELP1 (elongator acetyltransferase complex subunit 1; minus strand). Cytogenetic location: 9q31.3.
Variant type: Deletion.
Coding change: c.1003del on transcript NM_003640.5 (MANE Select); coding-DNA position 1003, one base deleted (A; older notation c.1003delA).
Protein change: p.Ser335fs; shifts the reading frame from serine 335.
Molecular consequence: frameshift variant. On other transcripts: 5 prime UTR variant (1).
Genome position (GRCh38, 1-based): chr9:108,912,450, T deleted on the plus strand (A on the coding strand, the reverse complement: ELP1 is on the minus strand); the first of 3 consecutive T bases (chr9:108,912,450-108,912,452); deleting any one gives the same sequence. VCF-style (leftmost placement, unchanged base first): chr9-108912449-CT-C. GRCh37 (hg19) VCF-style: chr9-111674729-CT-C.
Other names: c.661del, p.Ser221fs (NM_001318360.2); c.-45del (NM_001330749.2); short protein forms S221fs, S335fs.
Identifiers: ClinVar variation 5015357 (VCV005015357.1).

ClinVar aggregate classification (germline): Pathogenic (1 of 4 stars; one submission).

Conditions:
Familial dysautonomia. Also called: HSAN III; FD. Identifiers: Orphanet 1764, MedGen C0013364, MONDO:0009131, OMIM 223900. Disease mechanism: loss of function.

Submission:

Myriad Genetics, Inc.
Classification: Pathogenic for Familial dysautonomia. Last evaluated: 2025-12-21. Review status: criteria provided, single submitter. Criteria: Myriad Autosomal Dominant, Autosomal Recessive and X-Linked Classification Criteria (2023). Collection method: clinical testing. Allele origin: unknown.
Comment: NM_003640.3(ELP1):c.1003delA(S335Vfs*15) is expected to be pathogenic in the context of familial dysautonomia. This variant is predicted to lead to an abnormal or absent protein product due to the creation of a premature termination codon in ELP1, a gene where loss-of-function variants are known to be pathogenic. Please note: this variant was assessed in the context of healthy population screening.